The following is an entry in ClinVar:

ClinVar aggregate classification (germline): Uncertain significance (1 of 4 stars; one submission).

gnomAD v4.1: 1 of 1,609,300 alleles (0.000062%); highest among the groups gnomAD compares: Non-Finnish European, 0.000085%; no homozygotes.

Submission:

Labcorp Genetics (formerly Invitae), Labcorp
Classification: Uncertain significance. Last evaluated: 2024-04-01. Review status: criteria provided, single submitter. Criteria: Invitae Variant Classification Sherloc (09022015). Collection method: clinical testing. Allele origin: germline.
Comment: This sequence change falls in intron 4 of the POLE gene. It does not directly change the encoded amino acid sequence of the POLE protein. This variant is not present in population databases (gnomAD no frequency). This variant has not been reported in the literature in individuals affected with POLE-related conditions. Algorithms developed to predict the effect of sequence changes on RNA splicing suggest that this variant may disrupt the consensus splice site. In summary, the available evidence is currently insufficient to determine the role of this variant in disease. Therefore, it has been classified as a Variant of Uncertain Significance.

NM_006231.4(POLE):c.331-13T>A

Gene: POLE (DNA polymerase epsilon, catalytic subunit; minus strand). Cytogenetic location: 12q24.33.
Variant type: single nucleotide variant.
Coding change: c.331-13T>A on transcript NM_006231.4 (MANE Select); 13 bases into the intron before coding-DNA position 331, T replaced by A.
Molecular consequence: intron variant.
Genome position (GRCh38, 1-based): chr12:132,680,059, A>T on the plus strand (T>A on the coding strand, the complement: POLE is on the minus strand). VCF-style: chr12-132680059-A-T. GRCh37 (hg19) VCF-style: chr12-133256645-A-T.
Identifiers: ClinVar variation 3699245 (VCV003699245.2).
Genomic context (GRCh38, chr12:132,680,059, plus strand): 5'-GCCCTGAAACTTCTTGGAGAGAAAAGATGAAACTTCTCGCTCACAACCCTAATCAGGATC[A>T]GAATGAAAAGGCTTTCCATTGGTAAAATACATTTCCTTCCTTGCCTATTTCCCAGTTGCA-3'